The following is an entry in ClinVar:

ClinVar aggregate classification (germline): Uncertain significance. Review status: criteria provided, multiple submitters, no conflicts (2 of 4 stars). 2 submissions from 2 submitters: Uncertain significance (2). Last evaluated 2025-08-11.

Conditions:
Long QT syndrome 10 (LQT10). Identifiers: Orphanet 101016, Orphanet 768, MedGen C2678484, MONDO:0012737, OMIM 611819.
Cardiovascular phenotype. Identifiers: MedGen CN230736.

Allele frequency attached by ClinVar (database versions not stated): ExAC 0.00002; gnomAD exomes 0.00002; gnomAD 0.00005 and 0.00006; TOPMed 0.00005.

Submissions (2):

Ambry Genetics
Classification: Uncertain significance for Cardiovascular phenotype. Last evaluated: 2025-08-11. Review status: criteria provided, single submitter. Criteria: Ambry Variant Classification Scheme 2023. Collection method: clinical testing. Allele origin: germline.

Labcorp Genetics (formerly Invitae), Labcorp
Classification: Uncertain significance for Long QT syndrome 10. Last evaluated: 2025-07-06. Review status: criteria provided, single submitter. Criteria: Invitae Variant Classification Sherloc (09022015). Collection method: clinical testing. Allele origin: germline.
Comment: This sequence change replaces glutamic acid, which is acidic and polar, with glutamine, which is neutral and polar, at codon 157 of the SCN4B protein (p.Glu157Gln). This variant is present in population databases (rs746647997, gnomAD 0.009%). This variant has not been reported in the literature in individuals affected with SCN4B-related conditions. ClinVar contains an entry for this variant (Variation ID: 1397893). An algorithm developed to predict the effect of missense changes on protein structure and function (PolyPhen-2) suggests that this variant is likely to be tolerated. In summary, the available evidence is currently insufficient to determine the role of this variant in disease. Therefore, it has been classified as a Variant of Uncertain Significance.

NM_174934.4(SCN4B):c.469G>C (p.Glu157Gln)

Gene: SCN4B (sodium voltage-gated channel beta subunit 4; minus strand). Cytogenetic location: 11q23.3.
Variant type: single nucleotide variant.
Coding change: c.469G>C on transcript NM_174934.4 (MANE Select); coding-DNA position 469, G replaced by C.
Protein change: p.Glu157Gln; replaces glutamic acid 157 with glutamine.
Molecular consequence: missense variant. On other transcripts: non-coding transcript variant (1).
Genome position (GRCh38, 1-based): chr11:118,141,331, C>G on the plus strand (G>C on the coding strand, the complement: SCN4B is on the minus strand). VCF-style: chr11-118141331-C-G. GRCh37 (hg19) VCF-style: chr11-118012046-C-G.
Other names: c.67G>C, p.Glu23Gln (NM_001142348.2); c.139G>C, p.Glu47Gln (NM_001142349.2); short protein forms E157Q, E23Q, E47Q.
Identifiers: ClinVar variation 1397893 (VCV001397893.11), dbSNP rs746647997, ClinGen allele CA6300191.
Genomic context (GRCh38, chr11:118,141,331, plus strand): 5'-GGAGCCCGATGACCCCGCCCACGACAGCCAGGATGATGAGTGTCACTGTGTTGTCCACTT[C>G]TTCCACTGTGTGGCCCGAGTAGGGAGGAAAGGGAAGGCACAAAGGGAGCAAGAGTCAACC-3'
Protein context (NP_777594.1, residues 147-167): IFLQVVDRLE[Glu157Gln]VDNTVTLIIL